The following is an entry in ClinVar:

NC_000007.13:g.(?_128470672)_(128498597_?)dup

Gene: FLNC (filamin C; plus strand). Cytogenetic location: 7q32.1.
Variant type: Duplication.
Identifiers: ClinVar variation 1041610 (VCV001041610.2).

ClinVar aggregate classification (germline): Uncertain significance (1 of 4 stars; one submission).

Conditions:
Myofibrillar myopathy 5. Also called: FILAMINOPATHY, AUTOSOMAL DOMINANT; Filaminopathy (type). Identifiers: Orphanet 171445, MedGen C1836050, MONDO:0012289, OMIM 609524.
Distal myopathy with posterior leg and anterior hand involvement. Also called: WILLIAMS DISTAL MYOPATHY. Identifiers: Orphanet 63273, MedGen C3279722, MONDO:0013550, OMIM 614065.
Hypertrophic cardiomyopathy 26. Also called: Cardiomyopathy, familial hypertrophic, 26. Identifiers: Orphanet 75249, MedGen C4310749, MONDO:0014883, OMIM 617047.
Dilated Cardiomyopathy, Dominant.

Submission:

Labcorp Genetics (formerly Invitae), Labcorp
Classification: Uncertain significance for Distal myopathy with posterior leg and anterior hand involvement; Myofibrillar myopathy 5; Hypertrophic cardiomyopathy 26. Last evaluated: 2020-01-26. Review status: criteria provided, single submitter. Criteria: Invitae Variant Classification Sherloc (09022015). Collection method: clinical testing. Allele origin: germline.
Comment: This variant results in a copy number gain of the genomic region encompassing the full coding sequence of the FLNC gene. The boundaries of this event are unknown as they extend beyond the assayed region for this gene and therefore may encompass additional genes. As the precise location of this event is unknown, it may be in tandem or it may be located elsewhere in the genome. This variant has not been reported in the literature in individuals with FLNC-related conditions. Experimental studies and prediction algorithms are not available or were not evaluated, and the functional significance of this variant is currently unknown. In summary, the available evidence is currently insufficient to determine the role of this variant in disease. Therefore, it has been classified as a Variant of Uncertain Significance.